The following is an entry in ClinVar:

NM_001365308.1(BMPER):c.1207G>A (p.Val403Met)

Gene: BMPER (BMP binding endothelial regulator; plus strand). Cytogenetic location: 7p14.3.
Variant type: single nucleotide variant.
Coding change: c.1207G>A on transcript NM_001365308.1 (MANE Select); coding-DNA position 1207, G replaced by A.
Protein change: p.Val403Met; replaces valine 403 with methionine.
Molecular consequence: missense variant.
Genome position (GRCh38, 1-based): chr7:34,078,985, G>A. VCF-style: chr7-34078985-G-A. GRCh37 (hg19) VCF-style: chr7-34118597-G-A.
Other names: c.1207G>A, p.Val403Met (NM_133468.5); c.1207G>A (NM_133468.3); short protein forms V403M.
Identifiers: ClinVar variation 360108 (VCV000360108.10), dbSNP rs371160820, ClinGen allele CA4215319.

ClinVar aggregate classification (germline): Uncertain significance. Review status: criteria provided, multiple submitters, no conflicts (2 of 4 stars). 3 submissions from 3 submitters: Uncertain significance (3). Last evaluated 2025-10-23.

Conditions:
Diaphanospondylodysostosis. Also called: VERTEBRAL OSSIFICATION, DEFECT IN, WITH NEPHROGENIC RESTS. Identifiers: Orphanet 66637, MedGen C1842691, MONDO:0011946, OMIM 608022.
Inborn genetic diseases. Identifiers: MedGen C0950123, MeSH D030342.

Allele frequency attached by ClinVar (database versions not stated): ExAC 0.00001; gnomAD exomes 0.00001 and 0.00002; gnomAD 0.00003 and 0.00004; TOPMed 0.00003; ESP Exome Variant Server 0.00008.
gnomAD v4.1: 28 of 1,614,070 alleles (0.0017%); highest among the groups gnomAD compares: Non-Finnish European, 0.0023%; no homozygotes.

Submissions (3):

Ambry Genetics
Classification: Uncertain significance for Inborn genetic diseases. Last evaluated: 2025-10-23. Review status: criteria provided, single submitter. Criteria: Ambry Variant Classification Scheme 2023. Collection method: clinical testing. Allele origin: germline.

Labcorp Genetics (formerly Invitae), Labcorp
Classification: Uncertain significance. Last evaluated: 2022-05-25. Review status: criteria provided, single submitter. Criteria: Invitae Variant Classification Sherloc (09022015). Collection method: clinical testing. Allele origin: germline.
Comment: This sequence change replaces valine, which is neutral and non-polar, with methionine, which is neutral and non-polar, at codon 403 of the BMPER protein (p.Val403Met). This variant is present in population databases (rs371160820, gnomAD 0.004%). In summary, the available evidence is currently insufficient to determine the role of this variant in disease. Therefore, it has been classified as a Variant of Uncertain Significance. Algorithms developed to predict the effect of missense changes on protein structure and function are either unavailable or do not agree on the potential impact of this missense change (SIFT: "Deleterious"; PolyPhen-2: "Probably Damaging"; Align-GVGD: "Class C0"). ClinVar contains an entry for this variant (Variation ID: 360108). This variant has not been reported in the literature in individuals affected with BMPER-related conditions.

Illumina Laboratory Services, Illumina
Classification: Uncertain significance for Diaphanospondylodysostosis. Last evaluated: 2018-01-13. Review status: criteria provided, single submitter. Criteria: ICSL Variant Classification Criteria 13 December 2019. Collection method: clinical testing. Allele origin: germline.